The following is an entry in ClinVar:

ClinVar aggregate classification (germline): Uncertain significance (1 of 4 stars; one submission).

Conditions:
Cardiovascular phenotype. Identifiers: MedGen CN230736.

Submission:

Ambry Genetics
Classification: Uncertain significance for Cardiovascular phenotype. Last evaluated: 2025-05-02. Review status: criteria provided, single submitter. Criteria: Ambry Variant Classification Scheme 2023. Collection method: clinical testing. Allele origin: germline.
Comment: The p.T3165I variant (also known as c.9494C>T), located in coding exon 26 of the APOB gene, results from a C to T substitution at nucleotide position 9494. The threonine at codon 3165 is replaced by isoleucine, an amino acid with similar properties. This amino acid position is conserved. In addition, the in silico prediction for this alteration is inconclusive. Based on the available evidence, the clinical significance of this variant remains unclear.

NM_000384.3(APOB):c.9494C>T (p.Thr3165Ile)

Gene: APOB (apolipoprotein B; minus strand). Cytogenetic location: 2p24.1.
Variant type: single nucleotide variant.
Coding change: c.9494C>T on transcript NM_000384.3 (MANE Select); coding-DNA position 9494, C replaced by T.
Protein change: p.Thr3165Ile; replaces threonine 3165 with isoleucine.
Molecular consequence: missense variant.
Genome position (GRCh38, 1-based): chr2:21,007,374, G>A on the plus strand (C>T on the coding strand, the complement: APOB is on the minus strand). VCF-style: chr2-21007374-G-A. GRCh37 (hg19) VCF-style: chr2-21230246-G-A.
Other names: short protein forms T3165I.
Identifiers: ClinVar variation 3932945 (VCV003932945.1).
Genomic context (GRCh38, chr2:21,007,374, plus strand): 5'-GAATGCCTGTGTTTGTTTTTCTTATACTGAGCTTTTACACTTAAATCAAATGATTGCTTT[G>A]TCGTTTTCAAGAATTCCTTCAAGCCTGTTTTTTCCCATAGAGAGAAATCTTTCAGTGGAG-3'
Protein context (NP_000375.3, residues 3155-3175): KTGLKEFLKT[Thr3165Ile]KQSFDLSVKA